The following is an entry in ClinVar:

NM_005559.4(LAMA1):c.3319G>C (p.Gly1107Arg)

Gene: LAMA1 (laminin subunit alpha 1; minus strand). Cytogenetic location: 18p11.31.
Variant type: single nucleotide variant.
Coding change: c.3319G>C on transcript NM_005559.4 (MANE Select); coding-DNA position 3319, G replaced by C.
Protein change: p.Gly1107Arg; replaces glycine 1107 with arginine.
Molecular consequence: missense variant.
Genome position (GRCh38, 1-based): chr18:7,013,859, C>G on the plus strand (G>C on the coding strand, the complement: LAMA1 is on the minus strand). VCF-style: chr18-7013859-C-G. GRCh37 (hg19) VCF-style: chr18-7013858-C-G.
Other names: short protein forms G1107R.
Identifiers: ClinVar variation 1723234 (VCV001723234.3), dbSNP rs767546123, ClinGen allele CA401849961.
Genomic context (GRCh38, chr18:7,013,859, plus strand): 5'-GATGGATGGTAAATACCTTGCAAGGGCAGGCCCCGGTTTCCTCCACACAGCCGCAGAGAC[C>G]CTGCTCCAGGTTGCAGGCGTCCCCCGACGTCCCCCTCAGGTCACAGTCACAGGGAACACA-3'
Protein context (NP_005550.2, residues 1097-1117): TSGDACNLEQ[Gly1107Arg]LCGCVEETGA

ClinVar aggregate classification (germline): Uncertain significance. Review status: criteria provided, multiple submitters, no conflicts (2 of 4 stars). 3 submissions from 3 submitters: Uncertain significance (3). Last evaluated 2024-08-07.

Conditions:
LAMA1-related disorder. Also called: LAMA1-related disorders; LAMA1-related condition.
Inborn genetic diseases. Identifiers: MedGen C0950123, MeSH D030342.

gnomAD v4.1: 1 of 1,611,946 alleles (0.000062%); highest among the groups gnomAD compares: Non-Finnish European, 0.000085%; no homozygotes.

Submissions (3):

Ambry Genetics
Classification: Uncertain significance for Inborn genetic diseases. Last evaluated: 2024-08-07. Review status: criteria provided, single submitter. Criteria: Ambry Variant Classification Scheme 2023. Collection method: clinical testing. Allele origin: germline.

Women's Health and Genetics/Laboratory Corporation of America, LabCorp
Classification: Uncertain significance. Last evaluated: 2022-10-01. Review status: criteria provided, single submitter. Criteria: LabCorp Variant Classification Summary - May 2015. Collection method: clinical testing. Allele origin: germline.
Comment: Variant summary: LAMA1 c.3319G>C (p.Gly1107Arg) results in a non-conservative amino acid change located in the Laminin-type EGF domain (IPR002049) of the encoded protein sequence. Four of five in-silico tools predict a benign effect of the variant on protein function. The variant was absent in 246124 control chromosomes (gnomAD). The available data on variant occurrences in the general population are insufficient to allow any conclusion about variant significance. To our knowledge, no occurrence of c.3319G>C in individuals affected with Ataxia-Intellectual Disability-Oculomotor Apraxia-Cerebellar Cysts Syndrome and no experimental evidence demonstrating its impact on protein function have been reported. No clinical diagnostic laboratories have submitted clinical-significance assessments for this variant to ClinVar after 2014. Based on the evidence outlined above, the variant was classified as uncertain significance.

PreventionGenetics, part of Exact Sciences
Classification: Uncertain significance for LAMA1-related condition. Last evaluated: 2022-09-14. Review status: criteria provided, single submitter. Criteria: ACMG Guidelines, 2015. Collection method: clinical testing. Allele origin: germline.
Comment: The LAMA1 c.3319G>C variant is predicted to result in the amino acid substitution p.Gly1107Arg. To our knowledge, this variant has not been reported in the literature or in a large population database, indicating this variant is rare. At this time, the clinical significance of this variant is uncertain due to the absence of conclusive functional and genetic evidence.